The following is an entry in ClinVar:

ClinVar aggregate classification (germline): Likely benign (1 of 4 stars; one submission).

gnomAD v4.1: 64 of 1,608,020 alleles (0.004%); highest among the groups gnomAD compares: Non-Finnish European, 0.0053%; no homozygotes.

Submission:

Mayo Clinic Laboratories, Mayo Clinic
Classification: Likely benign. Last evaluated: 2025-10-07. Review status: criteria provided, single submitter. Criteria: ACMG Guidelines, 2015. Collection method: clinical testing. Allele origin: germline. Observed: 1 variant allele.
Comment: BP4, BP7

NM_001385012.1(NBEA):c.4962A>G (p.Glu1654=)

Gene: NBEA (neurobeachin; plus strand). Cytogenetic location: 13q13.3.
Variant type: single nucleotide variant.
Coding change: c.4962A>G on transcript NM_001385012.1 (MANE Select); coding-DNA position 4962, A replaced by G.
Protein change: p.Glu1654=; no amino-acid change (glutamic acid 1654 retained).
Molecular consequence: synonymous variant.
Genome position (GRCh38, 1-based): chr13:35,195,898, A>G. VCF-style: chr13-35195898-A-G. GRCh37 (hg19) VCF-style: chr13-35770035-A-G.
Other names: p.Glu1654=; c.4953A>G, p.Glu1651= (NM_001379245.1); c.4962A>G, p.Glu1654= (NM_015678.5).
Identifiers: ClinVar variation 4683792 (VCV004683792.1).